The following is an entry in ClinVar:

ClinVar aggregate classification (germline): Uncertain significance (1 of 4 stars; one submission).

Submission:

Centre of Medical Genetics, University Hospital Muenster
Classification: Uncertain significance. Last evaluated: 2022-09-20. Review status: criteria provided, single submitter. Criteria: ACMG Guidelines, 2015. Collection method: clinical testing. Allele origin: unknown. Affected: yes. Observed: 1 variant allele, 1 heterozygote.
Comment: ACMG categories: PM1,PM2,PP3

NM_183050.4(BCKDHB):c.983G>T (p.Ser328Ile)

Gene: BCKDHB (branched chain keto acid dehydrogenase E1 subunit beta; plus strand). Cytogenetic location: 6q14.1.
Variant type: single nucleotide variant.
Coding change: c.983G>T on transcript NM_183050.4 (MANE Select); coding-DNA position 983, G replaced by T.
Protein change: p.Ser328Ile; replaces serine 328 with isoleucine.
Molecular consequence: missense variant. On other transcripts: non-coding transcript variant (1).
Genome position (GRCh38, 1-based): chr6:80,273,166, G>T. VCF-style: chr6-80273166-G-T. GRCh37 (hg19) VCF-style: chr6-80982883-G-T.
Other names: c.983G>T, p.Ser328Ile (NM_000056.5); c.773G>T, p.Ser258Ile (NM_001318975.1); short protein forms S258I, S328I.
Identifiers: ClinVar variation 1708402 (VCV001708402.2), dbSNP rs1304643105, ClinGen allele CA365009059.